The following is an entry in ClinVar:

ClinVar aggregate classification (germline): Likely benign (0 of 4 stars; one submission).

Conditions:
Carcinoma of colon (CRC). Also called: Colonic carcinoma; Colon carcinoma. Identifiers: MedGen C0699790, MONDO:0002032.

Submission:

Department of Pathology and Laboratory Medicine, Sinai Health System
Classification: Likely benign for Carcinoma of colon. Review status: no assertion criteria provided. Collection method: clinical testing. Allele origin: unknown. Affected: yes. Study: The Canadian Open Genetics Repository (COGR).
Comment: The MSH6 c.4001+11_4001+19del variant was not identified in the literature, nor was it identified in dbSNP, the 1000 Genomes Project, the NHLBI Exome Sequencing Project, the Exome Aggregation Consortium, the genome Aggregation Database (beta), GeneInsight COGR, ClinVar, Clinvitae, COSMIC, MutDB, UMD, InSiGHT Colon Cancer Gene Variant Database (LOVD), the Zhejiang Colon Cancer Database (LOVD), the â€šÃ„ÃºMismatch Repair Genes Variant Databaseâ€šÃ„Ã¹ or the â€šÃ„ÃºMMR Gene Unclassified Variants Databaseâ€šÃ„Ã¹. The variant occurs outside of the splicing consensus sequence and in silico or computational prediction software programs (SpliceSiteFinder, MaxEntScan, NNSPLICE, GeneSplicer, HumanSpliceFinder) do not predict a difference in splicing. In summary, based on the above information, the clinical significance of this variant cannot be determined with certainty at this time although we would lean towards a more benign role for this variant. This variant is classified as likely benign.

NM_000179.3(MSH6):c.4001+11_4001+19del

Gene: MSH6 (mutS homolog 6; plus strand). Cytogenetic location: 2p16.3.
Variant type: Deletion.
Coding change: c.4001+11_4001+19del on transcript NM_000179.3 (MANE Select); bases 11 to 19 of the intron after coding-DNA position 4001, 9 bases deleted (AACTATAAT; older notation c.4001+11_4001+19delAACTATAAT).
Molecular consequence: intron variant.
Genome position (GRCh38, 1-based): chr2:47,806,662-47,806,670, AACTATAAT deleted; deleting any 9 consecutive bases within chr2:47,806,661-47,806,670 gives the same sequence; the c. name uses the placement nearest the transcript's 3' end. VCF-style (leftmost placement, unchanged base first): chr2-47806660-CTAACTATAA-C. GRCh37 (hg19) VCF-style: chr2-48033799-CTAACTATAA-C.
Other names: c.3095+11_3095+19del (NM_001281493.2, NM_001281494.2); c.3611+11_3611+19del (NM_001281492.2).
Identifiers: ClinVar variation 1050620 (VCV001050620.1), dbSNP rs2104569281, ClinGen allele CA2499216152.